The following is an entry in ClinVar:

NM_001145073.3(USP27X):c.737G>T (p.Gly246Val)

Gene: USP27X (ubiquitin specific peptidase 27 X-linked; plus strand). Cytogenetic location: Xp11.23.
Variant type: single nucleotide variant.
Coding change: c.737G>T on transcript NM_001145073.3 (MANE Select); coding-DNA position 737, G replaced by T.
Protein change: p.Gly246Val; replaces glycine 246 with valine.
Molecular consequence: missense variant.
Genome position (GRCh38, 1-based): chrX:49,881,044, G>T. VCF-style: chrX-49881044-G-T. GRCh37 (hg19) VCF-style: chrX-49645647-G-T.
Other names: short protein forms G246V.
Identifiers: ClinVar variation 2633559 (VCV002633559.1), dbSNP rs2519167317, ClinGen allele CA413169450.

ClinVar aggregate classification (germline): Uncertain significance (1 of 4 stars; one submission).

Conditions:
USP27X-related disorder. Also called: USP27X-related condition.

Submission:

PreventionGenetics, part of Exact Sciences
Classification: Uncertain significance for USP27X-related condition. Last evaluated: 2023-04-13. Review status: criteria provided, single submitter. Criteria: ACMG Guidelines, 2015. Collection method: clinical testing. Allele origin: germline.
Comment: The USP27X c.737G>T variant is predicted to result in the amino acid substitution p.Gly246Val. To our knowledge, this variant has not been reported in the literature or in a large population database, indicating this variant is rare. At this time, the clinical significance of this variant is uncertain due to the absence of conclusive functional and genetic evidence.